The following is an entry in ClinVar:

NM_003322.6(TULP1):c.310del (p.Glu104fs)

Gene: TULP1 (TUB like protein 1; minus strand). Cytogenetic location: 6p21.31.
Variant type: Deletion.
Coding change: c.310del on transcript NM_003322.6 (MANE Select); coding-DNA position 310, one base deleted (G; older notation c.310delG).
Protein change: p.Glu104fs; shifts the reading frame from glutamic acid 104.
Molecular consequence: frameshift variant. On other transcripts: intron variant (1).
Genome position (GRCh38, 1-based): chr6:35,511,687, C deleted on the plus strand (G on the coding strand, the reverse complement: TULP1 is on the minus strand); the first of 3 consecutive C bases (chr6:35,511,687-35,511,689); deleting any one gives the same sequence. VCF-style (leftmost placement, unchanged base first): chr6-35511686-TC-T. GRCh37 (hg19) VCF-style: chr6-35479463-TC-T.
Other names: c.190+493del (NM_001289395.2); short protein forms E104fs.
Identifiers: ClinVar variation 3382016 (VCV003382016.2).

ClinVar aggregate classification (germline): Pathogenic (1 of 4 stars; one submission).

Conditions:
Retinitis pigmentosa 14 (RP14). Also called: RETINITIS PIGMENTOSA, JUVENILE, TULP1-RELATED. Identifiers: Orphanet 791, MedGen C1838603, MONDO:0010827, OMIM 600132.
Leber congenital amaurosis 15 (LCA15). Identifiers: Orphanet 65, MedGen C3151206, MONDO:0013457, OMIM 613843.

Submission:

Juno Genomics, Hangzhou Juno Genomics, Inc
Classification: Pathogenic for Leber congenital amaurosis 15; Retinitis pigmentosa 14. Review status: criteria provided, single submitter. Criteria: ACMG Guidelines, 2015. Collection method: clinical testing. Allele origin: germline. Affected: yes.
Comment: Absent from controls (or at extremely low frequency if recessive) in Genome Aggregation Database, Exome Sequencing Project, 1000 Genomes Project, or Exome Aggregation Consortium.;Null variant in a gene where loss of function (LOF) is a known mechanism of disease.;Patient's phenotype or family history is highly specific for a disease with a single genetic etiology.